The following is an entry in ClinVar:

NM_020911.2(PLXNA4):c.1982C>T (p.Ser661Leu)

Gene: PLXNA4 (plexin A4; minus strand). Cytogenetic location: 7q32.3.
Variant type: single nucleotide variant.
Coding change: c.1982C>T on transcript NM_020911.2 (MANE Select); coding-DNA position 1982, C replaced by T.
Protein change: p.Ser661Leu; replaces serine 661 with leucine.
Molecular consequence: missense variant.
Genome position (GRCh38, 1-based): chr7:132,226,161, G>A on the plus strand (C>T on the coding strand, the complement: PLXNA4 is on the minus strand). VCF-style: chr7-132226161-G-A. GRCh37 (hg19) VCF-style: chr7-131910920-G-A.
Other names: c.1982C>T, p.Ser661Leu (NM_001393897.1); short protein forms S661L.
Identifiers: ClinVar variation 4978562 (VCV004978562.1).
Genomic context (GRCh38, chr7:132,226,161, plus strand): 5'-TGATCTTTGGATGAAACTTGACCCCAGGAACGGGAAGTGGGTAAGGCTGGGGCCACTTAC[G>A]AATTGTGGACGCTGCAATTGTAGAAGACAAAGCTGGTGCTGGCGAAGGTCATGCCGGTCT-3'
Protein context (NP_065962.1, residues 651-671): FVFYNCSVHN[Ser661Leu]CLSCVESPYR

ClinVar aggregate classification (germline): Uncertain significance (1 of 4 stars; one submission).

Conditions:
PLXNA4-related disorder. Also called: PLXNA4-related condition.

gnomAD v4.1: 82 of 1,613,236 alleles (0.0051%); highest among the groups gnomAD compares: Admixed American, 0.017%; no homozygotes.

Submission:

PreventionGenetics, part of Exact Sciences
Classification: Uncertain significance for PLXNA4-related condition. Last evaluated: 2026-07-24. Review status: criteria provided, single submitter. Criteria: ACMG Guidelines, 2015. Collection method: clinical testing. Allele origin: germline.
Comment: The PLXNA4 c.1982C>T variant is predicted to result in the amino acid substitution p.Ser661Leu. This variant has been reported in an individual with obesity (Abstract, Berra et al. 2023. doi: 10.1210/jendso/bvad114.058). This variant is reported in 0.020% of alleles in individuals of Latino descent in gnomAD. At this time, the clinical significance of this variant is uncertain due to the absence of conclusive functional and genetic evidence.